The following is an entry in ClinVar:

ClinVar aggregate classification (germline): Uncertain significance (1 of 4 stars; one submission).

Allele frequency attached by ClinVar (database versions not stated): gnomAD exomes below 0.00001; TOPMed below 0.00001; gnomAD 0.00001.
gnomAD v4.1: 4 of 1,613,924 alleles (0.00025%); highest among the groups gnomAD compares: African/African-American, 0.0027%; no homozygotes.

Submission:

Labcorp Genetics (formerly Invitae), Labcorp
Classification: Uncertain significance. Last evaluated: 2022-03-18. Review status: criteria provided, single submitter. Criteria: Invitae Variant Classification Sherloc (09022015). Collection method: clinical testing. Allele origin: germline.
Comment: This sequence change replaces threonine, which is neutral and polar, with isoleucine, which is neutral and non-polar, at codon 1034 of the ADGRA3 protein (p.Thr1034Ile). This variant is present in population databases (no rsID available, gnomAD 0.008%). This variant has not been reported in the literature in individuals affected with ADGRA3-related conditions. ClinVar contains an entry for this variant (Variation ID: 998507). Algorithms developed to predict the effect of missense changes on protein structure and function (SIFT, PolyPhen-2, Align-GVGD) all suggest that this variant is likely to be tolerated. In summary, the available evidence is currently insufficient to determine the role of this variant in disease. Therefore, it has been classified as a Variant of Uncertain Significance.

NM_145290.4(ADGRA3):c.3101C>T (p.Thr1034Ile)

Gene: ADGRA3 (adhesion G protein-coupled receptor A3; minus strand). Cytogenetic location: 4p15.2.
Variant type: single nucleotide variant.
Coding change: c.3101C>T on transcript NM_145290.4 (MANE Select); coding-DNA position 3101, C replaced by T.
Protein change: p.Thr1034Ile; replaces threonine 1034 with isoleucine.
Molecular consequence: missense variant.
Genome position (GRCh38, 1-based): chr4:22,388,570, G>A on the plus strand (C>T on the coding strand, the complement: ADGRA3 is on the minus strand). VCF-style: chr4-22388570-G-A. GRCh37 (hg19) VCF-style: chr4-22390193-G-A.
Other names: short protein forms T1034I.
Identifiers: ClinVar variation 998507 (VCV000998507.6), dbSNP rs950238474, ClinGen allele CA93480816.